The following is an entry in ClinVar:

NM_015335.5(MED13L):c.1004T>A (p.Ile335Asn)

Gene: MED13L (mediator complex subunit 13L; minus strand). Cytogenetic location: 12q24.21.
Variant type: single nucleotide variant.
Coding change: c.1004T>A on transcript NM_015335.5 (MANE Select); coding-DNA position 1004, T replaced by A.
Protein change: p.Ile335Asn; replaces isoleucine 335 with asparagine.
Molecular consequence: missense variant.
Genome position (GRCh38, 1-based): chr12:116,019,229, A>T on the plus strand (T>A on the coding strand, the complement: MED13L is on the minus strand). VCF-style: chr12-116019229-A-T. GRCh37 (hg19) VCF-style: chr12-116457034-A-T.
Other names: short protein forms I335N.
Identifiers: ClinVar variation 3665738 (VCV003665738.2).
Genomic context (GRCh38, chr12:116,019,229, plus strand): 5'-ACTATACAATTGTCTGAGATCTCTTCTCCCCAGGACACTCCTGGATCCTACTCACCTAGG[A>T]TAGCCTGTTCTGGAGAGGTGGGAGGGGTCAGAGGCATCCCACAGTTACTTGGGTCCTTCA-3'
Protein context (NP_056150.1, residues 325-345): LTPPTSPEQA[Ile335Asn]LGESGGMQSA

ClinVar aggregate classification (germline): Uncertain significance (1 of 4 stars; one submission).

Conditions:
Dextro-looped transposition of the great arteries. Also called: Dextrotransposition of the great arteries. Identifiers: Orphanet 860, MedGen C3531771, MONDO:0019443, OMIM 608808, HP:0031348.

Submission:

Labcorp Genetics (formerly Invitae), Labcorp
Classification: Uncertain significance for Dextro-looped transposition of the great arteries. Last evaluated: 2024-06-25. Review status: criteria provided, single submitter. Criteria: Invitae Variant Classification Sherloc (09022015). Collection method: clinical testing. Allele origin: germline.
Comment: This sequence change replaces isoleucine, which is neutral and non-polar, with asparagine, which is neutral and polar, at codon 335 of the MED13L protein (p.Ile335Asn). This variant is not present in population databases (gnomAD no frequency). This variant has not been reported in the literature in individuals affected with MED13L-related conditions. Advanced modeling of protein sequence and biophysical properties (such as structural, functional, and spatial information, amino acid conservation, physicochemical variation, residue mobility, and thermodynamic stability) performed at Invitae indicates that this missense variant is not expected to disrupt MED13L protein function with a negative predictive value of 80%. In summary, the available evidence is currently insufficient to determine the role of this variant in disease. Therefore, it has been classified as a Variant of Uncertain Significance.